The following is an entry in ClinVar:

NM_024306.5(FA2H):c.709C>G (p.Leu237Val)

Gene: FA2H (fatty acid 2-hydroxylase; minus strand). Cytogenetic location: 16q23.1.
Variant type: single nucleotide variant.
Coding change: c.709C>G on transcript NM_024306.5 (MANE Select); coding-DNA position 709, C replaced by G.
Protein change: p.Leu237Val; replaces leucine 237 with valine.
Molecular consequence: missense variant.
Genome position (GRCh38, 1-based): chr16:74,719,065, G>C on the plus strand (C>G on the coding strand, the complement: FA2H is on the minus strand). VCF-style: chr16-74719065-G-C. GRCh37 (hg19) VCF-style: chr16-74752963-G-C.
Other names: c.709C>G (NM_024306.4); short protein forms L237V.
Identifiers: ClinVar variation 2413398 (VCV002413398.6), dbSNP rs757119964, ClinGen allele CA8170428.

ClinVar aggregate classification (germline): Uncertain significance. Review status: criteria provided, multiple submitters, no conflicts (2 of 4 stars). 2 submissions from 2 submitters: Uncertain significance (2). Last evaluated 2025-06-17.

Conditions:
Inborn genetic diseases. Identifiers: MedGen C0950123, MeSH D030342.
Spastic paraplegia. Identifiers: MedGen C0037772, HP:0001258.

Allele frequency attached by ClinVar (database versions not stated): gnomAD exomes below 0.00001; TOPMed below 0.00001; ExAC 0.00001.
gnomAD v4.1: 7 of 1,613,964 alleles (0.00043%); highest among the groups gnomAD compares: South Asian, 0.0055%; no homozygotes.

Submissions (2):

Ambry Genetics
Classification: Uncertain significance for Inborn genetic diseases. Last evaluated: 2025-06-17. Review status: criteria provided, single submitter. Criteria: Ambry Variant Classification Scheme 2023. Collection method: clinical testing. Allele origin: germline.

Labcorp Genetics (formerly Invitae), Labcorp
Classification: Uncertain significance for Spastic paraplegia. Last evaluated: 2022-10-19. Review status: criteria provided, single submitter. Criteria: Invitae Variant Classification Sherloc (09022015). Collection method: clinical testing. Allele origin: germline.
Comment: In summary, the available evidence is currently insufficient to determine the role of this variant in disease. Therefore, it has been classified as a Variant of Uncertain Significance. Advanced modeling of protein sequence and biophysical properties (such as structural, functional, and spatial information, amino acid conservation, physicochemical variation, residue mobility, and thermodynamic stability) performed at Invitae indicates that this missense variant is not expected to disrupt FA2H protein function. This variant has not been reported in the literature in individuals affected with FA2H-related conditions. This variant is present in population databases (rs757119964, gnomAD 0.01%). This sequence change replaces leucine, which is neutral and non-polar, with valine, which is neutral and non-polar, at codon 237 of the FA2H protein (p.Leu237Val).